The following is an entry in ClinVar:

ClinVar aggregate classification (germline): Pathogenic/Likely pathogenic. Review status: criteria provided, multiple submitters, no conflicts (2 of 4 stars). 2 submissions from 2 submitters: Pathogenic (1); Likely pathogenic (1). Last evaluated 2025-07-25.

Conditions:
Tyrosinemia type I (TYRSN1). Also called: FAH DEFICIENCY; Tyrosinemia type 1; Fumarylacetoacetase deficiency; Deficiency of fumarylacetoacetase; HEPATORENAL TYROSINEMIA. Identifiers: Orphanet 882, MedGen C0268490, MONDO:0010161, OMIM 276700. Disease mechanism: loss of function.

Submissions (2):

Women's Health and Genetics/Laboratory Corporation of America, LabCorp
Classification: Pathogenic for Tyrosinemia type I. Last evaluated: 2025-07-25. Review status: criteria provided, single submitter. Criteria: LabCorp Variant Classification Summary - May 2015. Collection method: clinical testing. Allele origin: germline.
Comment: Variant summary: FAH c.34T>C (p.Phe12Leu) results in a non-conservative amino acid change in the encoded protein sequence. Algorithms developed to predict the effect of missense changes on protein structure and function all suggest that this variant is likely to be disruptive. The variant was absent in 251266 control chromosomes. c.34T>C has been reported in the literature in at-least one individual affected with Tyrosinemia Type 1 (example, Ibarra-Gonzalez_2019). A different variant with the same amino acid effect has been classified as Likely Pathogenic in ClinVar (c.36C>A (p.Phe12Leu)). These data indicate that the variant may be associated with disease. To our knowledge, no experimental evidence demonstrating an impact on protein function has been reported. The following publication has been ascertained in the context of this evaluation (PMID: 31568711). ClinVar contains an entry for this variant (Variation ID: 2811930). Based on the evidence outlined above, the variant was classified as pathogenic.

Labcorp Genetics (formerly Invitae), Labcorp
Classification: Likely pathogenic for Tyrosinemia type I. Last evaluated: 2022-11-04. Review status: criteria provided, single submitter. Criteria: Invitae Variant Classification Sherloc (09022015). Collection method: clinical testing. Allele origin: germline.
Comment: This variant is not present in population databases (gnomAD no frequency). This sequence change replaces phenylalanine, which is neutral and non-polar, with leucine, which is neutral and non-polar, at codon 12 of the FAH protein (p.Phe12Leu). This missense change has been observed in individual(s) with tyrosinemia (PMID: 31568711). In summary, the currently available evidence indicates that the variant is pathogenic, but additional data are needed to prove that conclusively. Therefore, this variant has been classified as Likely Pathogenic. Advanced modeling of protein sequence and biophysical properties (such as structural, functional, and spatial information, amino acid conservation, physicochemical variation, residue mobility, and thermodynamic stability) performed at Invitae indicates that this missense variant is expected to disrupt FAH protein function.

Literature cited by the submitters: PubMed 31568711 (cited by Women's Health and Genetics/Laboratory Corporation of America, LabCorp and Labcorp Genetics (formerly Invitae), Labcorp).

NM_000137.4(FAH):c.34T>C (p.Phe12Leu)

Gene: FAH (fumarylacetoacetate hydrolase; plus strand). Cytogenetic location: 15q25.1.
Variant type: single nucleotide variant.
Coding change: c.34T>C on transcript NM_000137.4 (MANE Select); coding-DNA position 34, T replaced by C.
Protein change: p.Phe12Leu; replaces phenylalanine 12 with leucine.
Molecular consequence: missense variant.
Genome position (GRCh38, 1-based): chr15:80,153,088, T>C. VCF-style: chr15-80153088-T-C. GRCh37 (hg19) VCF-style: chr15-80445430-T-C.
Other names: c.34T>C, p.Phe12Leu (NM_001374377.1, NM_001374380.1); short protein forms F12L.
Identifiers: ClinVar variation 2811930 (VCV002811930.5), dbSNP rs2505834785, ClinGen allele CA393615478.